The following is an entry in ClinVar:

NM_006516.4(SLC2A1):c.18+303G>C

Genes: SLC2A1 (solute carrier family 2 member 1; minus strand), LOC129930369 (ATAC-STARR-seq lymphoblastoid silent region 772; plus strand). Cytogenetic location: 1p34.2.
Variant type: single nucleotide variant.
Coding change: c.18+303G>C on transcript NM_006516.4 (MANE Select); 303 bases into the intron after coding-DNA position 18, G replaced by C.
Molecular consequence: intron variant.
Genome position (GRCh38, 1-based): chr1:42,958,331, C>G on the plus strand (G>C on the coding strand, the complement: SLC2A1 is on the minus strand). VCF-style: chr1-42958331-C-G. GRCh37 (hg19) VCF-style: chr1-43424002-C-G.
Identifiers: ClinVar variation 669739 (VCV000669739.1), dbSNP rs191637824, ClinGen allele CA21268411.

ClinVar aggregate classification (germline): Benign (1 of 4 stars; one submission).

Allele frequency attached by ClinVar (database versions not stated): gnomAD 0.02822 and 0.03014; TOPMed 0.03094; 1000 Genomes Project 0.03235; 1000 Genomes Project 30x 0.03295.
gnomAD v4.1: 4,231 of 151,228 alleles (2.8%); highest among the groups gnomAD compares: African/African-American, 8.9%; 162 homozygotes.

Submission:

GeneDx
Classification: Benign. Last evaluated: 2018-06-14. Review status: criteria provided, single submitter. Criteria: GeneDx Variant Classification (06012015). Collection method: clinical testing. Allele origin: germline. Affected: yes.
Comment: This variant is considered likely benign or benign based on one or more of the following criteria: it is a conservative change, it occurs at a poorly conserved position in the protein, it is predicted to be benign by multiple in silico algorithms, and/or has population frequency not consistent with disease.